The following is an entry in ClinVar:

ClinVar aggregate classification (germline): Conflicting classifications of pathogenicity. Review status: criteria provided, conflicting classifications (1 of 4 stars). 4 submissions from 4 submitters: Uncertain significance (3); Likely benign (1). Last evaluated 2025-03-25.

Conditions:
Inborn genetic diseases. Identifiers: MedGen C0950123, MeSH D030342.
Developmental and epileptic encephalopathy, 36 (DEE36). Also called: Epileptic encephalopathy, early infantile, 36; ALG13-CDG; Congenital disorder of glycosylation, type Is. Identifiers: Orphanet 324422, MedGen C4317295, MONDO:0010472, OMIM 300884.

Submissions (4):

Labcorp Genetics (formerly Invitae), Labcorp
Classification: Uncertain significance for Developmental and epileptic encephalopathy, 36. Last evaluated: 2025-03-25. Review status: criteria provided, single submitter. Criteria: Invitae Variant Classification Sherloc (09022015). Collection method: clinical testing. Allele origin: germline.
Comment: This variant, c.2879_2881dup, results in the insertion of 1 amino acid(s) of the ALG13 protein (p.Pro960dup), but otherwise preserves the integrity of the reading frame. The frequency data for this variant in the population databases is considered unreliable, as metrics indicate poor data quality at this position in the gnomAD database. This variant has been observed in individual(s) with clinical features of developmental and epileptic encephalopathy (PMID: 36801247). ClinVar contains an entry for this variant (Variation ID: 862605). Experimental studies and prediction algorithms are not available or were not evaluated, and the functional significance of this variant is currently unknown. In summary, the available evidence is currently insufficient to determine the role of this variant in disease. Therefore, it has been classified as a Variant of Uncertain Significance.

Fulgent Genetics
Classification: Uncertain significance for Developmental and epileptic encephalopathy, 36. Last evaluated: 2022-05-10. Review status: criteria provided, single submitter. Criteria: ACMG Guidelines, 2015. Collection method: clinical testing. Allele origin: unknown.

Ambry Genetics
Classification: Likely benign for Inborn genetic diseases. Last evaluated: 2022-03-07. Review status: criteria provided, single submitter. Criteria: Ambry Variant Classification Scheme 2023. Collection method: clinical testing. Allele origin: germline.

Neuberg Centre For Genomic Medicine, NCGM
Classification: Uncertain significance for Developmental and epileptic encephalopathy, 36. Review status: criteria provided, single submitter. Criteria: ACMG Guidelines, 2015. Collection method: clinical testing. Allele origin: germline. Affected: yes.
Comment: The inframe insertion variant c.2879_2881dup (p.Pro960dup) in ALG13 gene has not been reported previously as a pathogenic variant nor as a benign variant, to our knowledge. The p.Pro960dup variant is reported with the allele frequency (0.007%) in the gnomAD Exomes and is novel (not in any individuals) in 1000 Genomes. The inframe insertion This p.Pro960dup causes duplication of amino acid Proline at postion 960. For these reasons, this variant has been classified as Variant of Uncertain Significance (VUS).

Literature cited by the submitters: PubMed 36801247 (cited by Labcorp Genetics (formerly Invitae), Labcorp).

NM_001099922.3(ALG13):c.2870CAC[5] (p.Pro960dup)

Gene: ALG13 (ALG13 UDP-N-acetylglucosaminyltransferase subunit; plus strand). Cytogenetic location: Xq23.
Variant type: Microsatellite.
Coding change: c.2870CAC[5] on transcript NM_001099922.3 (MANE Select); five copies in a row of the 3-base unit CAC starting at c.2870; the reference has four copies in a row; one copy, 3 bases duplicated; also written c.2879_2881dup.
Protein change: p.Pro960dup; duplicates proline 960.
Molecular consequence: inframe insertion. On other transcripts: intron variant (5).
Genome position (GRCh38, 1-based): chrX:111,744,851-111,744,853, CAC duplicated; duplicating any 3 consecutive bases within chrX:111,744,840-111,744,853 gives the same sequence; the position shown is the placement nearest the transcript's 3' end. VCF-style (leftmost placement, unchanged base first): chrX-111744839-A-AACC. GRCh37 (hg19) VCF-style: chrX-110988067-A-AACC.
Other names: c.2636CAC[5], p.Pro882dup (NM_001257231.2); c.2384-7950ACC[5] (NM_001257237.2, NM_001257234.2, NM_001257230.2); c.2210-7950ACC[5] (NM_001324293.1); c.2696-7950ACC[5] (NM_001324292.2); c.2879_2881dup (NM_001099922.3); c.2879_2881dupCAC (NM_001099922.2).
Identifiers: ClinVar variation 862605 (VCV000862605.10), dbSNP rs771610606, ClinGen allele CA10493997.